The following is an entry in ClinVar:

ClinVar aggregate classification (germline): Uncertain significance. Review status: criteria provided, multiple submitters, no conflicts (2 of 4 stars). 2 submissions from 2 submitters: Uncertain significance (2). Last evaluated 2026-09-11.

Conditions:
TBL1XR1-related disorder. Also called: TBL1XR1-related condition; TBL1XR1-related disorders. Identifiers: MedGen CN382633, MONDO:1060313.

Submissions (2):

PreventionGenetics, part of Exact Sciences
Classification: Uncertain significance for TBL1XR1-related condition. Last evaluated: 2026-09-11. Review status: criteria provided, single submitter. Criteria: ACMG Guidelines, 2015. Collection method: clinical testing. Allele origin: germline.
Comment: The TBL1XR1 c.295T>C variant is predicted to result in the amino acid substitution p.Tyr99His. To our knowledge, this variant has not been reported in the literature or in a large population database (gnomAD), indicating this variant is rare. At this time, the clinical significance of this variant is uncertain due to the absence of conclusive functional and genetic evidence.

GeneDx
Classification: Uncertain significance. Last evaluated: 2020-02-04. Review status: criteria provided, single submitter. Criteria: GeneDx Variant Classification Process June 2021. Collection method: clinical testing. Allele origin: germline. Affected: yes.
Comment: Not observed in large population cohorts (Lek et al., 2016); In silico analysis supports that this missense variant has a deleterious effect on protein structure/function; Has not been previously published as pathogenic or benign to our knowledge

NM_024665.7(TBL1XR1):c.295T>C (p.Tyr99His)

Gene: TBL1XR1 (TBL1X/Y related 1; minus strand). Cytogenetic location: 3q26.32.
Variant type: single nucleotide variant.
Coding change: c.295T>C on transcript NM_024665.7 (MANE Select); coding-DNA position 295, T replaced by C.
Protein change: p.Tyr99His; replaces tyrosine 99 with histidine.
Molecular consequence: missense variant.
Genome position (GRCh38, 1-based): chr3:177,051,636, A>G on the plus strand (T>C on the coding strand, the complement: TBL1XR1 is on the minus strand). VCF-style: chr3-177051636-A-G. GRCh37 (hg19) VCF-style: chr3-176769424-A-G.
Other names: c.295T>C (NM_024665.5); c.295T>C, p.Tyr99His (NM_001321193.3, NM_001321194.3, NM_001374327.1 and 2 more transcripts); c.34T>C, p.Tyr12His (NM_001321195.3, NM_001374330.1); short protein forms Y12H, Y99H.
Identifiers: ClinVar variation 1315240 (VCV001315240.3), dbSNP rs2108497113, ClinGen allele CA355553313.
Genomic context (GRCh38, chr3:177,051,636, plus strand): 5'-TGGCTGCAGCTGCGGCAGCTGCAGCAGCTGCTGCCTGTTGCTGTGCAAGCTTATCTCTAT[A>G]AGCTTGTTGTCTTGTTTGTACTACATCAGGCATTACGGCATCTATCAGGGACAGAGACTC-3'
Protein context (NP_078941.2, residues 89-109): PDVVQTRQQA[Tyr99His]RDKLAQQQAA